The following is an entry in ClinVar:

ClinVar aggregate classification (germline): Uncertain significance (1 of 4 stars; one submission).

Allele frequency attached by ClinVar (database versions not stated): TOPMed below 0.00001.

Submission:

Ambry Genetics
Classification: Uncertain significance. Last evaluated: 2020-11-23. Review status: criteria provided, single submitter. Criteria: Ambry Variant Classification Scheme 2023. Collection method: clinical testing. Allele origin: germline.
Comment: The p.S482N variant (also known as c.1445G>A), located in coding exon 11 of the RECQL gene, results from a G to A substitution at nucleotide position 1445. The serine at codon 482 is replaced by asparagine, an amino acid with highly similar properties. This amino acid position is poorly conserved in available vertebrate species. In addition, this alteration is predicted to be tolerated by in silico analysis. Since supporting evidence is limited at this time, the clinical significance of this alteration remains unclear.

NM_002907.4(RECQL):c.1445G>A (p.Ser482Asn)

Gene: RECQL (RecQ like helicase; minus strand). Cytogenetic location: 12p12.1.
Variant type: single nucleotide variant.
Coding change: c.1445G>A on transcript NM_002907.4 (MANE Select); coding-DNA position 1445, G replaced by A.
Protein change: p.Ser482Asn; replaces serine 482 with asparagine.
Molecular consequence: missense variant.
Genome position (GRCh38, 1-based): chr12:21,473,553, C>T on the plus strand (G>A on the coding strand, the complement: RECQL is on the minus strand). VCF-style: chr12-21473553-C-T. GRCh37 (hg19) VCF-style: chr12-21626487-C-T.
Other names: c.1445G>A, p.Ser482Asn (NM_032941.3); short protein forms S482N.
Identifiers: ClinVar variation 1772791 (VCV001772791.2), dbSNP rs1943025390, ClinGen allele CA384117225.
Genomic context (GRCh38, chr12:21,473,553, plus strand): 5'-TGTCACTAGGCATTATGACTGTATTAGCCTATAAAGGTTTACAAAACAACAAACTCACCA[C>T]TGTCTTTACAGCAGTTATCGCACATTTTGTTACATGCTTCTGAGTTCCATACTTCATCAA-3'
Protein context (NP_002898.2, residues 472-492): NKMCDNCCKD[Ser482Asn]AFERKNITEY